The following is an entry in ClinVar:

NM_004341.5(CAD):c.4397-2A>G

Gene: CAD (carbamoyl-phosphate synthetase 2, aspartate transcarbamylase, and dihydroorotase; plus strand). Cytogenetic location: 2p23.3.
Variant type: single nucleotide variant.
Coding change: c.4397-2A>G on transcript NM_004341.5 (MANE Select); the canonical splice acceptor site of the intron before coding-DNA position 4397, A replaced by G.
Molecular consequence: splice acceptor variant.
Genome position (GRCh38, 1-based): chr2:27,237,377, A>G. VCF-style: chr2-27237377-A-G. GRCh37 (hg19) VCF-style: chr2-27460245-A-G.
Other names: c.4208-2A>G (NM_001306079.2).
Identifiers: ClinVar variation 2754519 (VCV002754519.3), dbSNP rs2465345007, ClinGen allele CA346219578.

ClinVar aggregate classification (germline): Likely pathogenic (1 of 4 stars; one submission).

Allele frequency attached by ClinVar (database versions not stated): gnomAD exomes below 0.00001.
gnomAD v4.1: 2 of 1,613,806 alleles (0.00012%); highest among the groups gnomAD compares: Non-Finnish European, 0.00017%; no homozygotes.

Submission:

Labcorp Genetics (formerly Invitae), Labcorp
Classification: Likely pathogenic. Last evaluated: 2023-08-23. Review status: criteria provided, single submitter. Criteria: Invitae Variant Classification Sherloc (09022015). Collection method: clinical testing. Allele origin: germline.
Comment: In summary, the currently available evidence indicates that the variant is pathogenic, but additional data are needed to prove that conclusively. Therefore, this variant has been classified as Likely Pathogenic. Algorithms developed to predict the effect of sequence changes on RNA splicing suggest that this variant may disrupt the consensus splice site. This variant has not been reported in the literature in individuals affected with CAD-related conditions. This variant is not present in population databases (gnomAD no frequency). This sequence change affects an acceptor splice site in intron 27 of the CAD gene. It is expected to disrupt RNA splicing. Variants that disrupt the donor or acceptor splice site typically lead to a loss of protein function (PMID: 16199547), and loss-of-function variants in CAD are known to be pathogenic (PMID: 28007989, 32117025, 32820246, 33497533).

Literature cited by the submitters: PubMed 16199547; PubMed 28007989; PubMed 32117025; PubMed 32820246; PubMed 33497533.